The following is an entry in ClinVar:

ClinVar aggregate classification (germline): Uncertain significance (1 of 4 stars; one submission).

Conditions:
Duchenne muscular dystrophy (DMD). Also called: MUSCULAR DYSTROPHY, PSEUDOHYPERTROPHIC PROGRESSIVE, DUCHENNE TYPE; Duchenne Muscular Dystrophy (DMD). Identifiers: Orphanet 98896, MedGen C0013264, MONDO:0010679, OMIM 310200.

Allele frequency attached by ClinVar (database versions not stated): ExAC 0.00001; gnomAD 0.00001; TOPMed 0.00001; gnomAD exomes 0.00004.
gnomAD v4.1: 49 of 1,208,891 alleles (0.0041%); highest among the groups gnomAD compares: Non-Finnish European, 0.0051%; no homozygotes.

Submission:

Labcorp Genetics (formerly Invitae), Labcorp
Classification: Uncertain significance for Duchenne muscular dystrophy. Last evaluated: 2025-11-17. Review status: criteria provided, single submitter. Criteria: Invitae Variant Classification Sherloc (09022015). Collection method: clinical testing. Allele origin: germline.
Comment: This sequence change replaces isoleucine, which is neutral and non-polar, with phenylalanine, which is neutral and non-polar, at codon 2152 of the DMD protein (p.Ile2152Phe). This variant is present in population databases (rs752949623, gnomAD 0.001%). This variant has not been reported in the literature in individuals affected with DMD-related conditions. ClinVar contains an entry for this variant (Variation ID: 2049207). Invitae Evidence Modeling of protein sequence and biophysical properties (such as structural, functional, and spatial information, amino acid conservation, physicochemical variation, residue mobility, and thermodynamic stability) indicates that this missense variant is not expected to disrupt DMD protein function with a negative predictive value of 95%. In summary, the available evidence is currently insufficient to determine the role of this variant in disease. Therefore, it has been classified as a Variant of Uncertain Significance.

NM_004006.3(DMD):c.6454A>T (p.Ile2152Phe)

Gene: DMD (dystrophin; minus strand). Cytogenetic location: Xp21.1.
Variant type: single nucleotide variant.
Coding change: c.6454A>T on transcript NM_004006.3 (MANE Select); coding-DNA position 6454, A replaced by T.
Protein change: p.Ile2152Phe; replaces isoleucine 2152 with phenylalanine.
Molecular consequence: missense variant. On other transcripts: 5 prime UTR variant (5).
Genome position (GRCh38, 1-based): chrX:31,968,499, T>A on the plus strand (A>T on the coding strand, the complement: DMD is on the minus strand). VCF-style: chrX-31968499-T-A. GRCh37 (hg19) VCF-style: chrX-31986616-T-A.
Other names: c.6430A>T, p.Ile2144Phe (NM_000109.4); c.6442A>T, p.Ile2148Phe (NM_004009.3); c.6085A>T, p.Ile2029Phe (NM_004010.3); c.2431A>T, p.Ile811Phe (NM_004011.4); c.2422A>T, p.Ile808Phe (NM_004012.4); c.-927A>T (NM_004013.3, NM_004020.4, NM_004021.3 and 2 more transcripts); short protein forms I2148F, I808F, I2144F, I2029F, I2152F, I811F.
Identifiers: ClinVar variation 2049207 (VCV002049207.4), dbSNP rs752949623, ClinGen allele CA10378455.
Genomic context (GRCh38, chrX:31,968,499, plus strand): 5'-GCTGAATTATTTCTTCCCCAGTTGCATTCAATGTTCTGACAACAGTTTGCCGCTGCCCAA[T>A]GCCATCCTGGAGTTCCTGTAAGATACCAAAAAGGCAAAACAAAAATGAAGCCCCATGTCT-3'
Protein context (NP_003997.2, residues 2142-2162): KWYLKELQDG[Ile2152Phe]GQRQTVVRTL